The following is an entry in ClinVar:

ClinVar aggregate classification (germline): Uncertain significance (1 of 4 stars; one submission).

Allele frequency attached by ClinVar (database versions not stated): gnomAD exomes below 0.00001; TOPMed below 0.00001.
gnomAD v4.1: 2 of 1,192,904 alleles (0.00017%); highest among the groups gnomAD compares: Non-Finnish European, 0.00023%; no homozygotes.

Submission:

CeGaT Center for Human Genetics Tuebingen
Classification: Uncertain significance. Last evaluated: 2024-06-01. Review status: criteria provided, single submitter. Criteria: CeGaT Center For Human Genetics Tuebingen Variant Classification Criteria Version 2. Collection method: clinical testing. Allele origin: germline. Affected: yes. Observed: 1 variant allele.
Comment: ALAS2: PM2

NM_000032.5(ALAS2):c.1408C>T (p.Pro470Ser)

Gene: ALAS2 (5'-aminolevulinate synthase 2; minus strand). Cytogenetic location: Xp11.21.
Variant type: single nucleotide variant.
Coding change: c.1408C>T on transcript NM_000032.5 (MANE Select); coding-DNA position 1408, C replaced by T.
Protein change: p.Pro470Ser; replaces proline 470 with serine.
Molecular consequence: missense variant.
Genome position (GRCh38, 1-based): chrX:55,014,776, G>A on the plus strand (C>T on the coding strand, the complement: ALAS2 is on the minus strand). VCF-style: chrX-55014776-G-A. GRCh37 (hg19) VCF-style: chrX-55041209-G-A.
Other names: c.1297C>T, p.Pro433Ser (NM_001037967.4); c.1369C>T, p.Pro457Ser (NM_001037968.4); short protein forms P433S, P457S, P470S.
Identifiers: ClinVar variation 3251073 (VCV003251073.18), dbSNP rs1935670559.